The following is an entry in ClinVar:

ClinVar aggregate classification (germline): Uncertain significance (1 of 4 stars; one submission).

Conditions:
Familial hypobetalipoproteinemia 1. Also called: APOB-Related Familial Hypobetalipoproteinemia; Hypobetalipoproteinemia, normotriglyceridemic; Acanthocytosis with hypobetalipoproteinemia. Identifiers: MedGen C4551990, MONDO:0014252, OMIM 615558.
Hypercholesterolemia, autosomal dominant, type B (FHCL2). Also called: Familial Hypercholesterolemia Type B; APOLIPOPROTEIN B-100, FAMILIAL DEFECTIVE; APOLIPOPROTEIN B-100, FAMILIAL LIGAND-DEFECTIVE; HYPERCHOLESTEROLEMIA, FAMILIAL, DUE TO LIGAND-DEFECTIVE APOLIPOPROTEIN B; Hyperlipoproteinemia Type IIb; Familial hypercholesterolemia 2. Identifiers: MedGen C1704417, MONDO:0007751, OMIM 144010.

Submission:

Labcorp Genetics (formerly Invitae), Labcorp
Classification: Uncertain significance for Familial hypobetalipoproteinemia 1; Hypercholesterolemia, autosomal dominant, type B. Last evaluated: 2025-01-29. Review status: criteria provided, single submitter. Criteria: Invitae Variant Classification Sherloc (09022015). Collection method: clinical testing. Allele origin: germline.
Comment: This sequence change replaces serine, which is neutral and polar, with cysteine, which is neutral and slightly polar, at codon 204 of the APOB protein (p.Ser204Cys). This variant is not present in population databases (gnomAD no frequency). This variant has not been reported in the literature in individuals affected with APOB-related conditions. Invitae Evidence Modeling of protein sequence and biophysical properties (such as structural, functional, and spatial information, amino acid conservation, physicochemical variation, residue mobility, and thermodynamic stability) indicates that this missense variant is not expected to disrupt APOB protein function with a negative predictive value of 95%. In summary, the available evidence is currently insufficient to determine the role of this variant in disease. Therefore, it has been classified as a Variant of Uncertain Significance.

NM_000384.3(APOB):c.611C>G (p.Ser204Cys)

Gene: APOB (apolipoprotein B; minus strand). Cytogenetic location: 2p24.1.
Variant type: single nucleotide variant.
Coding change: c.611C>G on transcript NM_000384.3 (MANE Select); coding-DNA position 611, C replaced by G.
Protein change: p.Ser204Cys; replaces serine 204 with cysteine.
Molecular consequence: missense variant.
Genome position (GRCh38, 1-based): chr2:21,037,182, G>C on the plus strand (C>G on the coding strand, the complement: APOB is on the minus strand). VCF-style: chr2-21037182-G-C. GRCh37 (hg19) VCF-style: chr2-21260054-G-C.
Other names: short protein forms S204C.
Identifiers: ClinVar variation 3760868 (VCV003760868.2).